The following is an entry in ClinVar:

ClinVar aggregate classification (germline): Pathogenic. Review status: criteria provided, multiple submitters, no conflicts (2 of 4 stars). 10 submissions from 10 submitters: Pathogenic (8). 2 of the submissions do not count toward it. Last evaluated 2025-05-18.

Conditions:
Cardiovascular phenotype. Identifiers: MedGen CN230736.
Marfan Syndrome/Loeys-Dietz Syndrome/Familial Thoracic Aortic Aneurysms and Dissections. Identifiers: MedGen CN229799.
Marfan syndrome (MFS). Also called: Marfan syndrome, classic; FBN1-Related Marfan Syndrome; Marfan syndrome type 1; Marfan's syndrome; MARFAN SYNDROME, TYPE I. Identifiers: Orphanet 284963, Orphanet 558, MedGen C0024796, MONDO:0007947, OMIM 154700.
Familial thoracic aortic aneurysm and aortic dissection (TAAD). Also called: Thoracic aortic aneurysms and dissections. Identifiers: Orphanet 91387, MedGen C4707243, MONDO:0019625.
FBN1-related disorder. Also called: FBN1-related disorders.

Submissions (10):

Labcorp Genetics (formerly Invitae), Labcorp
Classification: Pathogenic for Marfan syndrome; Familial thoracic aortic aneurysm and aortic dissection. Last evaluated: 2025-05-18. Review status: criteria provided, single submitter. Criteria: Invitae Variant Classification Sherloc (09022015). Collection method: clinical testing. Allele origin: germline.
Comment: This sequence change creates a premature translational stop signal (p.Arg2057*) in the FBN1 gene. It is expected to result in an absent or disrupted protein product. Loss-of-function variants in FBN1 are known to be pathogenic (PMID: 17657824, 19293843). This variant is not present in population databases (gnomAD no frequency). This premature translational stop signal has been observed in individual(s) with Marfan syndrome or a related connective tissue disorder and in an individual affected with primary spontaneous pneumothorax (PMID: 10464652, 27229674). ClinVar contains an entry for this variant (Variation ID: 200076). For these reasons, this variant has been classified as Pathogenic.

GeneDx
Classification: Pathogenic. Last evaluated: 2025-04-02. Review status: criteria provided, single submitter. Criteria: GeneDx Variant Classification Process June 2021. Collection method: clinical testing. Allele origin: germline. Affected: yes.
Comment: Not observed at significant frequency in large population cohorts (gnomAD); Nonsense variant predicted to result in protein truncation or nonsense mediated decay in a gene for which loss of function is a known mechanism of disease; This variant is associated with the following publications: (PMID: 18435798, 25525159, 17850668, 12068374, 27229674, 10464652, 31211624, 33648514, 32679894, 31730815, 31536524, 38225666, 34916231, 39779335)

Dasa
Classification: Pathogenic. Last evaluated: 2024-05-21. Review status: criteria provided, single submitter. Criteria: DASA Assertion Criteria. Collection method: clinical testing. Allele origin: germline.
Comment: NM_000138.5(FBN1):c.6169C>T (p.Arg2057*) introduces a premature termination codon predicted to result in loss of normal protein function. Loss-of-function is an established mechanism of disease for this gene. This variant has been reported in individuals with related phenotype (PMID: 10464652). Based on the available data, this variant is classified as pathogenic.

Women's Health and Genetics/Laboratory Corporation of America, LabCorp
Classification: Pathogenic for Marfan Syndrome/Loeys-Dietz Syndrome/Familial Thoracic Aortic Aneurysms and Dissections. Last evaluated: 2022-12-12. Review status: criteria provided, single submitter. Criteria: LabCorp Variant Classification Summary - May 2015. Collection method: clinical testing. Allele origin: germline.
Comment: Variant summary: FBN1 c.6169C>T (p.Arg2057X) results in a premature termination codon, predicted to cause a truncation of the encoded protein or absence of the protein due to nonsense mediated decay, which are commonly known mechanisms for disease. Truncations downstream of this position have been classified as pathogenic by our laboratory. The variant was absent in 251028 control chromosomes (gnomAD). c.6169C>T has been reported in the literature in individuals affected with Marfan Syndrome (example: Mannucci_2020 and Schrijver_2002). These data indicate that the variant is likely to be associated with disease. Four clinical diagnostic laboratories have submitted clinical-significance assessments for this variant to ClinVar after 2014 and all classified the variant as pathogenic. Based on the evidence outlined above, the variant was classified as pathogenic.

Blueprint Genetics
Classification: Pathogenic for FBN1-related disorders. Last evaluated: 2022-05-03. Review status: criteria provided, single submitter. Criteria: ACMG Guidelines, 2015. Collection method: clinical testing. Allele origin: germline. Affected: yes. Observed: 1 variant allele.

Laboratory for Molecular Medicine, Mass General Brigham Personalized Medicine
Classification: Pathogenic for Marfan syndrome. Last evaluated: 2019-04-16. Review status: criteria provided, single submitter. Criteria: ACMG Guidelines, 2015. Collection method: clinical testing. Allele origin: germline. Inheritance: Autosomal dominant inheritance.
Comment: The p.Arg2057X variant in FBN1 has been reported in 1 individual with Marfan syndrome and 1 individual with primary spontaneous pneumothorax (Liu 1997, Schrijver 2002, Zhang 2016). It was absent from large population studies. This variant has also been reported in ClinVar (Variation ID 200076). This nonsense variant leads to a premature termination codon at position 2057, which is predicted to lead to a truncated or absent protein. Loss of function of the FBN1 gene is an established disease mechanism in autosomal dominant Marfan syndrome. In summary, this variant meets criteria to be classified as pathogenic for autosomal dominant Marfan syndrome. ACMG/AMP Criteria applied: PVS1, PS4_Supporting, PM2.

CHEO Genetics Diagnostic Laboratory, Children's Hospital of Eastern Ontario
Classification: Pathogenic for Familial thoracic aortic aneurysm and aortic dissection. Last evaluated: 2016-03-09. Review status: criteria provided, single submitter. Criteria: ACMG Guidelines, 2015. Collection method: clinical testing. Allele origin: germline. Study: Canadian Open Genetics Repository.

Ambry Genetics
Classification: Pathogenic for Cardiovascular phenotype. Last evaluated: 2014-11-21. Review status: criteria provided, single submitter. Criteria: Ambry Autosomal Dominant and X-Linked criteria (10/2015). Collection method: clinical testing. Allele origin: germline. Observed: 1 variant allele.

PreventionGenetics, part of Exact Sciences
Classification: Pathogenic for FBN1-related condition. Last evaluated: 2024-09-11. Review status: no assertion criteria provided. Collection method: clinical testing. Allele origin: germline. Not counted in ClinVar's aggregate classification.
Comment: The FBN1 c.6169C>T variant is predicted to result in premature protein termination (p.Arg2057*). This variant has been reported to be causative for Marfan syndrome (Liu et al. 1997. PubMed ID: 10464652; Mannucci et al. 2019. PubMed ID: 31730815). This variant has not been reported in a large population database, indicating this variant is rare. Nonsense variants in FBN1 are expected to be pathogenic. This variant is interpreted as pathogenic.

Center for Medical Genetics Ghent, University of Ghent
Classification: Pathogenic for Marfan syndrome. Last evaluated: 2017-11-07. Review status: no assertion criteria provided. Collection method: clinical testing. Allele origin: germline. Affected: yes. Not counted in ClinVar's aggregate classification.

Literature cited by the submitters: PubMed 17657824 (cited by Labcorp Genetics (formerly Invitae), Labcorp); PubMed 19293843 (cited by Labcorp Genetics (formerly Invitae), Labcorp); PubMed 10464652 (cited by 3 submitters); PubMed 27229674 (cited by Labcorp Genetics (formerly Invitae), Labcorp and Laboratory for Molecular Medicine, Mass General Brigham Personalized Medicine); PubMed 12068374 (cited by Women's Health and Genetics/Laboratory Corporation of America, LabCorp and Laboratory for Molecular Medicine, Mass General Brigham Personalized Medicine); PubMed 31730815 (cited by Women's Health and Genetics/Laboratory Corporation of America, LabCorp).

NM_000138.5(FBN1):c.6169C>T (p.Arg2057Ter)

Gene: FBN1 (fibrillin 1; minus strand). Cytogenetic location: 15q21.1.
Variant type: single nucleotide variant.
Coding change: c.6169C>T on transcript NM_000138.5 (MANE Select); coding-DNA position 6169, C replaced by T.
Protein change: p.Arg2057Ter; replaces arginine 2057 with a stop codon.
Molecular consequence: nonsense.
Genome position (GRCh38, 1-based): chr15:48,437,912, G>A on the plus strand (C>T on the coding strand, the complement: FBN1 is on the minus strand). VCF-style: chr15-48437912-G-A. GRCh37 (hg19) VCF-style: chr15-48730109-G-A.
Other names: p.R2057X:CGA>TGA; short protein forms R2057*.
Identifiers: ClinVar variation 200076 (VCV000200076.23), dbSNP rs763091520, ClinGen allele CA016275.